The following is an entry in ClinVar:

ClinVar aggregate classification (germline): Uncertain significance. Review status: criteria provided, multiple submitters, no conflicts (2 of 4 stars). 3 submissions from 3 submitters: Uncertain significance (3). Last evaluated 2022-03-15.

Conditions:
Cardiovascular phenotype. Identifiers: MedGen CN230736.
Hereditary cancer-predisposing syndrome. Also called: Hereditary neoplastic syndrome; Neoplastic Syndromes, Hereditary; Tumor predisposition; Hereditary Cancer Syndrome. Identifiers: Orphanet 140162, MedGen C0027672, MeSH D009386, MONDO:0015356.
Neurofibromatosis, type 1 (NF1). Also called: VON RECKLINGHAUSEN DISEASE; Peripheral type neurofibromatosis; NEUROFIBROMATOSIS, TYPE I, SOMATIC; Neurofibromatosis, type I. Identifiers: Orphanet 636, MedGen C0027831, MONDO:0018975, OMIM 162200. Disease mechanism: loss of function.

Allele frequency attached by ClinVar (database versions not stated): gnomAD exomes below 0.00001.
gnomAD v4.1: 2 of 1,612,048 alleles (0.00012%); highest among the groups gnomAD compares: South Asian, 0.0011%; no homozygotes.

Submissions (3):

Genome-Nilou Lab
Classification: Uncertain significance for Neurofibromatosis, type 1. Last evaluated: 2022-03-15. Review status: criteria provided, single submitter. Criteria: ACMG Guidelines, 2015. Collection method: clinical testing. Allele origin: germline. Affected: no.

Ambry Genetics
Classification: Uncertain significance for Cardiovascular phenotype; Hereditary cancer-predisposing syndrome. Last evaluated: 2021-12-06. Review status: criteria provided, single submitter. Criteria: Ambry Variant Classification Scheme 2023. Collection method: clinical testing. Allele origin: germline.
Comment: The p.P2634A variant (also known as c.7900C>G), located in coding exon 53 of the NF1 gene, results from a C to G substitution at nucleotide position 7900. The proline at codon 2634 is replaced by alanine, an amino acid with highly similar properties. This amino acid position is highly conserved in available vertebrate species. In addition, the in silico prediction for this alteration is inconclusive. Since supporting evidence is limited at this time, the clinical significance of this alteration remains unclear.

Labcorp Genetics (formerly Invitae), Labcorp
Classification: Uncertain significance for Neurofibromatosis, type 1. Last evaluated: 2020-03-12. Review status: criteria provided, single submitter. Criteria: Invitae Variant Classification Sherloc (09022015). Collection method: clinical testing. Allele origin: germline.
Comment: Algorithms developed to predict the effect of missense changes on protein structure and function are either unavailable or do not agree on the potential impact of this missense change (SIFT: "Tolerated"; PolyPhen-2: "Probably Damaging"; Align-GVGD: "Class C0"). This variant is not present in population databases (ExAC no frequency). This variant has not been reported in the literature in individuals with NF1-related conditions. ClinVar contains an entry for this variant (Variation ID: 480150). In summary, the available evidence is currently insufficient to determine the role of this variant in disease. Therefore, it has been classified as a Variant of Uncertain Significance. This sequence change replaces proline with alanine at codon 2634 of the NF1 protein (p.Pro2634Ala). The proline residue is moderately conserved and there is a small physicochemical difference between proline and alanine.

NM_001042492.3(NF1):c.7963C>G (p.Pro2655Ala)

Gene: NF1 (neurofibromin 1; plus strand). Cytogenetic location: 17q11.2.
Variant type: single nucleotide variant.
Coding change: c.7963C>G on transcript NM_001042492.3 (MANE Select); coding-DNA position 7963, C replaced by G.
Protein change: p.Pro2655Ala; replaces proline 2655 with alanine.
Molecular consequence: missense variant.
Genome position (GRCh38, 1-based): chr17:31,357,362, C>G. VCF-style: chr17-31357362-C-G. GRCh37 (hg19) VCF-style: chr17-29684380-C-G.
Other names: c.7900C>G, p.Pro2634Ala (NM_000267.4); short protein forms P2634A, P2655A.
Identifiers: ClinVar variation 480150 (VCV000480150.11), dbSNP rs587781791, ClinGen allele CA399203555.